The following is an entry in ClinVar:

NM_025099.6(CTC1):c.71A>G (p.Gln24Arg)

Gene: CTC1 (CST telomere replication complex component 1; minus strand). Cytogenetic location: 17p13.1.
Variant type: single nucleotide variant.
Coding change: c.71A>G on transcript NM_025099.6 (MANE Select); coding-DNA position 71, A replaced by G.
Protein change: p.Gln24Arg; replaces glutamine 24 with arginine.
Molecular consequence: missense variant. On other transcripts: non-coding transcript variant (1).
Genome position (GRCh38, 1-based): chr17:8,243,111, T>C on the plus strand (A>G on the coding strand, the complement: CTC1 is on the minus strand). VCF-style: chr17-8243111-T-C. GRCh37 (hg19) VCF-style: chr17-8146429-T-C.
Other names: c.71A>G, p.Gln24Arg (NM_001411067.1); short protein forms Q24R.
Identifiers: ClinVar variation 2043416 (VCV002043416.4), dbSNP rs2508007344, ClinGen allele CA397996730.

ClinVar aggregate classification (germline): Uncertain significance (1 of 4 stars; one submission).

Conditions:
Dyskeratosis congenita. Identifiers: Orphanet 1775, MedGen C0265965, MONDO:0015780.

Allele frequency attached by ClinVar (database versions not stated): gnomAD exomes below 0.00001.

Submission:

Labcorp Genetics (formerly Invitae), Labcorp
Classification: Uncertain significance for Dyskeratosis congenita. Last evaluated: 2024-06-03. Review status: criteria provided, single submitter. Criteria: Invitae Variant Classification Sherloc (09022015). Collection method: clinical testing. Allele origin: germline.
Comment: This sequence change replaces glutamine, which is neutral and polar, with arginine, which is basic and polar, at codon 24 of the CTC1 protein (p.Gln24Arg). This variant is not present in population databases (gnomAD no frequency). This variant has not been reported in the literature in individuals affected with CTC1-related conditions. ClinVar contains an entry for this variant (Variation ID: 2043416). An algorithm developed to predict the effect of missense changes on protein structure and function (PolyPhen-2) suggests that this variant is likely to be tolerated. In summary, the available evidence is currently insufficient to determine the role of this variant in disease. Therefore, it has been classified as a Variant of Uncertain Significance.